The following is an entry in ClinVar:

NM_014915.3(ANKRD26):c.-14C>T

Genes: ANKRD26 (ankyrin repeat domain 26; minus strand), LOC130003554 (ATAC-STARR-seq lymphoblastoid silent region 2243; plus strand). Cytogenetic location: 10p12.1.
Variant type: single nucleotide variant.
Coding change: c.-14C>T on transcript NM_014915.3 (MANE Select); 14 bases upstream of the start codon, C replaced by T.
Molecular consequence: 5 prime UTR variant.
Genome position (GRCh38, 1-based): chr10:27,100,340, G>A on the plus strand (C>T on the coding strand, the complement: ANKRD26 is on the minus strand). VCF-style: chr10-27100340-G-A. GRCh37 (hg19) VCF-style: chr10-27389269-G-A.
Other names: c.-14C>T (NM_001256053.2).
Identifiers: ClinVar variation 3622741 (VCV003622741.2).

ClinVar aggregate classification (germline): Uncertain significance (1 of 4 stars; one submission).

gnomAD v4.1: 4 of 1,605,044 alleles (0.00025%); highest among the groups gnomAD compares: Non-Finnish European, 0.00034%; no homozygotes.

Submission:

Labcorp Genetics (formerly Invitae), Labcorp
Classification: Uncertain significance. Last evaluated: 2024-04-09. Review status: criteria provided, single submitter. Criteria: Invitae Variant Classification Sherloc (09022015). Collection method: clinical testing. Allele origin: germline.
Comment: This variant occurs in a non-coding region of the ANKRD26 gene. It does not change the encoded amino acid sequence of the ANKRD26 protein. This variant is present in population databases (rs745918129, gnomAD 0.003%). This variant has not been reported in the literature in individuals affected with ANKRD26-related conditions. In summary, the available evidence is currently insufficient to determine the role of this variant in disease. Therefore, it has been classified as a Variant of Uncertain Significance.